The following is an entry in ClinVar:

ClinVar aggregate classification (germline): Uncertain significance (1 of 4 stars; one submission).

Conditions:
Cardiomyopathy (CMYO). Also called: Cardiomyopathies. Identifiers: Orphanet 167848, MedGen C0878544, MONDO:0004994, HP:0001638. Inheritance: Various modes of inheritance.

Allele frequency attached by ClinVar (database versions not stated): TOPMed below 0.00001; gnomAD exomes below 0.00001.

Submission:

Color Diagnostics, LLC DBA Color Health
Classification: Uncertain significance for Cardiomyopathy. Last evaluated: 2020-03-06. Review status: criteria provided, single submitter. Criteria: ACMG Guidelines, 2015. Collection method: clinical testing. Allele origin: germline.
Comment: This intronic variant alters intron 1 canonical splice donor site of the TMEM43 gene. Computational splicing tools suggest that this variant may disrupt RNA splicing. To our knowledge, functional studies have not been performed to investigate this prediction. This variant has not been reported in individuals affected with cardiovascular disorders in the literature. This variant has not been identified in the general population by the Genome Aggregation Database (gnomAD). Clinical significance of loss-of-function truncations and splice variants in TMEM43 is not yet clearly established. The available evidence is insufficient to determine the role of this variant in disease conclusively. Therefore, this variant is classified as a Variant of Uncertain Significance.

NM_024334.3(TMEM43):c.12+1G>A

Gene: TMEM43 (transmembrane protein 43; plus strand). Cytogenetic location: 3p25.1.
Variant type: single nucleotide variant.
Coding change: c.12+1G>A on transcript NM_024334.3 (MANE Select); the canonical splice donor site of the intron after coding-DNA position 12, G replaced by A.
Molecular consequence: splice donor variant.
Genome position (GRCh38, 1-based): chr3:14,125,206, G>A. VCF-style: chr3-14125206-G-A. GRCh37 (hg19) VCF-style: chr3-14166706-G-A.
Other names: c.12+1G>A (NM_001407274.1, NM_001407276.1, NM_001407275.1 and 4 more transcripts).
Identifiers: ClinVar variation 924325 (VCV000924325.3), dbSNP rs1239667599, ClinGen allele CA351533981.